The following is an entry in ClinVar:

NM_018489.3(ASH1L):c.8752C>T (p.Arg2918Ter)

Gene: ASH1L (ASH1 like histone lysine methyltransferase; minus strand). Cytogenetic location: 1q22.
Variant type: single nucleotide variant.
Coding change: c.8752C>T on transcript NM_018489.3 (MANE Select); coding-DNA position 8752, C replaced by T.
Protein change: p.Arg2918Ter; replaces arginine 2918 with a stop codon.
Molecular consequence: nonsense.
Genome position (GRCh38, 1-based): chr1:155,338,140, G>A on the plus strand (C>T on the coding strand, the complement: ASH1L is on the minus strand). VCF-style: chr1-155338140-G-A. GRCh37 (hg19) VCF-style: chr1-155307931-G-A.
Other names: c.8767C>T, p.Arg2923Ter (NM_001366177.2); short protein forms R2918*, R2923*.
Identifiers: ClinVar variation 3952382 (VCV003952382.1).
Genomic context (GRCh38, chr1:155,338,140, plus strand): 5'-TCTTCTTACCATTTTTTCCAGGGATTTTTTCAAGGAGATTGAGCAAGATCTGGTTGAGTC[G>A]TTCCCGTTGGTTATGCCGTCGTTCCTCAGGGGTACAGGTTGACTGGGGTTCTTGACTACT-3'

ClinVar aggregate classification (germline): Uncertain significance (1 of 4 stars; one submission).

Conditions:
Inborn genetic diseases. Identifiers: MedGen C0950123, MeSH D030342.

Submission:

Ambry Genetics
Classification: Uncertain significance for Inborn genetic diseases. Last evaluated: 2025-05-07. Review status: criteria provided, single submitter. Criteria: Ambry Variant Classification Scheme 2023. Collection method: clinical testing. Allele origin: germline.
Comment: The c.8752C>T (p.R2918*) alteration, located in exon 27 (coding exon 26) of the ASH1L gene, consists of a C to T substitution at nucleotide position 8752. This changes the amino acid from a arginine (R) to a stop codon at amino acid position 2918. This variant is not expected to trigger nonsense-mediated mRNA decay, and impacts the last 1.6% of the protein. The exact functional effect of this alteration is unknown. This variant was not reported in population-based cohorts in the Genome Aggregation Database (gnomAD). Based on insufficient or conflicting evidence, the clinical significance of this alteration remains unclear.